The following is an entry in ClinVar:

NM_012238.5(SIRT1):c.1497A>C (p.Lys499Asn)

Gene: SIRT1 (sirtuin 1; plus strand). Cytogenetic location: 10q21.3.
Variant type: single nucleotide variant.
Coding change: c.1497A>C on transcript NM_012238.5 (MANE Select); coding-DNA position 1497, A replaced by C.
Protein change: p.Lys499Asn; replaces lysine 499 with asparagine.
Molecular consequence: missense variant.
Genome position (GRCh38, 1-based): chr10:67,912,613, A>C. VCF-style: chr10-67912613-A-C. GRCh37 (hg19) VCF-style: chr10-69672370-A-C.
Other names: c.612A>C, p.Lys204Asn (NM_001142498.2); c.588A>C, p.Lys196Asn (NM_001314049.2); short protein forms K204N, K499N, K196N.
Identifiers: ClinVar variation 2882237 (VCV002882237.3), dbSNP rs1173354902, ClinGen allele CA377047662.
Genomic context (GRCh38, chr10:67,912,613, plus strand): 5'-TGGAGACTGTGATGTCATAATTAATGAATTGTGTCATAGGTTAGGTGGTGAATATGCCAA[A>C]CTTTGCTGTAACCCTGTAAAGCTTTCAGAAATTACTGAAAAACCTCCACGAACACAAAAA-3'
Protein context (NP_036370.2, residues 489-509): LCHRLGGEYA[Lys499Asn]LCCNPVKLSE

ClinVar aggregate classification (germline): Uncertain significance (1 of 4 stars; one submission).

Allele frequency attached by ClinVar (database versions not stated): gnomAD exomes below 0.00001; TOPMed 0.00001.
gnomAD v4.1: 2 of 1,614,144 alleles (0.00012%); highest among the groups gnomAD compares: Non-Finnish European, 0.00017%; no homozygotes.

Submission:

Labcorp Genetics (formerly Invitae), Labcorp
Classification: Uncertain significance. Last evaluated: 2023-08-11. Review status: criteria provided, single submitter. Criteria: Invitae Variant Classification Sherloc (09022015). Collection method: clinical testing. Allele origin: germline.
Comment: In summary, the available evidence is currently insufficient to determine the role of this variant in disease. Therefore, it has been classified as a Variant of Uncertain Significance. An algorithm developed to predict the effect of missense changes on protein structure and function (PolyPhen-2) suggests that this variant is likely to be tolerated. This variant has not been reported in the literature in individuals affected with SIRT1-related conditions. This variant is present in population databases (no rsID available, gnomAD 0.0009%). This sequence change replaces lysine, which is basic and polar, with asparagine, which is neutral and polar, at codon 499 of the SIRT1 protein (p.Lys499Asn).